The following is an entry in ClinVar:

ClinVar aggregate classification (germline): Benign (1 of 4 stars; one submission).

Conditions:
Parietal foramina 2 (PFM2). Identifiers: Orphanet 60015, MedGen C1865044, MONDO:0012309, OMIM 609597.

Allele frequency attached by ClinVar (database versions not stated): gnomAD 0.01008 and 0.01097; TOPMed 0.01167; 1000 Genomes Project 0.01358; 1000 Genomes Project 30x 0.01468.
gnomAD v4.1: 1,526 of 152,434 alleles (1%); highest among the groups gnomAD compares: African/African-American, 3.5%; 30 homozygotes.

Submission:

Illumina Laboratory Services, Illumina
Classification: Benign for Parietal foramina 2. Last evaluated: 2018-01-12. Review status: criteria provided, single submitter. Criteria: ICSL Variant Classification Criteria 13 December 2019. Collection method: clinical testing. Allele origin: germline.
Comment: This variant was observed in the ICSL laboratory as part of a predisposition screen in an ostensibly healthy population. It had not been previously curated by ICSL or reported in the Human Gene Mutation Database (HGMD: prior to June 1st, 2018), and was therefore a candidate for classification through an automated scoring system. Utilizing variant allele frequency, disease prevalence and penetrance estimates, and inheritance mode, an automated score was calculated to assess if this variant is too frequent to cause the disease. Based on the score and internal cut-off values, a variant classified as benign is not then subjected to further curation. The score for this variant resulted in a classification of benign for this disease.

NM_021926.4(ALX4):c.*922T>G

Gene: ALX4 (ALX homeobox 4; minus strand). Cytogenetic location: 11p11.2.
Variant type: single nucleotide variant.
Coding change: c.*922T>G on transcript NM_021926.4 (MANE Select); 922 bases downstream of the stop codon, T replaced by G.
Molecular consequence: 3 prime UTR variant.
Genome position (GRCh38, 1-based): chr11:44,263,932, A>C on the plus strand (T>G on the coding strand, the complement: ALX4 is on the minus strand). VCF-style: chr11-44263932-A-C. GRCh37 (hg19) VCF-style: chr11-44285482-A-C.
Other names: c.*922T>G (LRG_1256t1).
Identifiers: ClinVar variation 304678 (VCV000304678.5), dbSNP rs185632337, ClinGen allele CA10634886.